The following is an entry in ClinVar:

NM_032608.7(MYO18B):c.2377-4G>A

Gene: MYO18B (myosin XVIIIB; plus strand). Cytogenetic location: 22q12.1.
Variant type: single nucleotide variant.
Coding change: c.2377-4G>A on transcript NM_032608.7 (MANE Select); 4 bases into the intron before coding-DNA position 2377, G replaced by A.
Molecular consequence: intron variant.
Genome position (GRCh38, 1-based): chr22:25,797,949, G>A. VCF-style: chr22-25797949-G-A. GRCh37 (hg19) VCF-style: chr22-26193916-G-A.
Other names: c.2377-4G>A (NM_001318245.2).
Identifiers: ClinVar variation 782173 (VCV000782173.38), dbSNP rs200030443, ClinGen allele CA10160155.

ClinVar aggregate classification (germline): Benign/Likely benign. Review status: criteria provided, multiple submitters, no conflicts (2 of 4 stars). 7 submissions from 7 submitters: Benign (2); Likely benign (2). 3 of the submissions do not count toward it. Last evaluated 2026-09-01.

Conditions:
MYO18B-related disorder. Also called: MYO18B-related condition.

Allele frequency attached by ClinVar (database versions not stated): 1000 Genomes Project 30x 0.00047; 1000 Genomes Project 0.00060; TOPMed 0.00210; ESP Exome Variant Server 0.00219; gnomAD 0.00219; gnomAD exomes 0.00237; ExAC 0.00270.
gnomAD v4.1: 4,948 of 1,613,930 alleles (0.31%); highest among the groups gnomAD compares: Non-Finnish European, 0.37%; 14 homozygotes.

Submissions (7):

CeGaT Center for Human Genetics Tuebingen
Classification: Likely benign. Last evaluated: 2026-09-01. Review status: criteria provided, single submitter. Criteria: CeGaT Center For Human Genetics Tuebingen Variant Classification Criteria Version 2. Collection method: clinical testing. Allele origin: germline. Affected: yes. Observed: 6 variant alleles.
Comment: MYO18B: BP4, BS2

Labcorp Genetics (formerly Invitae), Labcorp
Classification: Benign. Last evaluated: 2026-01-26. Review status: criteria provided, single submitter. Criteria: Invitae Variant Classification Sherloc (09022015). Collection method: clinical testing. Allele origin: germline.

Blueprint Genetics
Classification: Likely benign. Last evaluated: 2024-11-23. Review status: criteria provided, single submitter. Criteria: ACMG Guidelines, 2015. Collection method: clinical testing. Allele origin: germline.

Breakthrough Genomics
Classification: Benign. Review status: criteria provided, single submitter. Criteria: ACMG Guidelines, 2015. Collection method: not provided. Allele origin: germline. Inheritance: Autosomal recessive inheritance. Affected: yes.

PreventionGenetics, part of Exact Sciences
Classification: Likely benign for MYO18B-related condition. Last evaluated: 2020-02-26. Review status: no assertion criteria provided. Collection method: clinical testing. Allele origin: germline. Not counted in ClinVar's aggregate classification.
Comment: This variant is classified as likely benign based on ACMG/AMP sequence variant interpretation guidelines (Richards et al. 2015 PMID: 25741868, with internal and published modifications).

Genome Diagnostics Laboratory, University Medical Center Utrecht
Classification: Likely benign. Review status: no assertion criteria provided. Collection method: clinical testing. Allele origin: germline. Affected: yes. Study: VKGL Data-share Consensus. Not counted in ClinVar's aggregate classification.

Laboratory of Diagnostic Genome Analysis, Leiden University Medical Center (LUMC)
Classification: Likely benign. Review status: no assertion criteria provided. Collection method: clinical testing. Allele origin: germline. Affected: yes. Study: VKGL Data-share Consensus. Not counted in ClinVar's aggregate classification.